The following is an entry in ClinVar:

ClinVar aggregate classification (germline): Conflicting classifications of pathogenicity. Review status: criteria provided, conflicting classifications (1 of 4 stars). 2 submissions from 2 submitters: Uncertain significance (1); Likely benign (1). Last evaluated 2022-11-07.

Conditions:
Cardiovascular phenotype. Identifiers: MedGen CN230736.
Ehlers-Danlos syndrome due to tenascin-X deficiency (EDSCLL1). Also called: EHLERS-DANLOS SYNDROME, CLASSIC-LIKE; Ehlers-Danlos syndrome, classic-like, 1; TNX DEFICIENCY; TNXB-Related Classical-Like Ehlers-Danlos Syndrome; EDS DUE TO TNX DEFICIENCY. Identifiers: Orphanet 230839, MedGen C1848029, MONDO:0011670, OMIM 606408.

Allele frequency attached by ClinVar (database versions not stated): TOPMed below 0.00001; gnomAD 0.00001.

Submissions (2):

Ambry Genetics
Classification: Likely benign for Cardiovascular phenotype. Last evaluated: 2022-11-07. Review status: criteria provided, single submitter. Criteria: Ambry Variant Classification Scheme 2023. Collection method: clinical testing. Allele origin: germline.

MGZ Medical Genetics Center
Classification: Uncertain significance for Ehlers-Danlos syndrome due to tenascin-X deficiency. Last evaluated: 2021-12-15. Review status: criteria provided, single submitter. Criteria: ACMG Guidelines, 2015. Collection method: clinical testing. Allele origin: germline. Affected: yes. Observed: 1 variant allele.
Comment: ACMG criteria applied: PM2_SUP, BP4

NM_001365276.2(TNXB):c.9664G>C (p.Gly3222Arg)

Gene: TNXB (tenascin XB; minus strand). Cytogenetic location: 6p21.33.
Variant type: single nucleotide variant.
Coding change: c.9664G>C on transcript NM_001365276.2 (MANE Select); coding-DNA position 9664, G replaced by C.
Protein change: p.Gly3222Arg; replaces glycine 3222 with arginine.
Molecular consequence: missense variant.
Genome position (GRCh38, 1-based): chr6:32,049,363, C>G on the plus strand (G>C on the coding strand, the complement: TNXB is on the minus strand). VCF-style: chr6-32049363-C-G. GRCh37 (hg19) VCF-style: chr6-32017140-C-G.
Other names: c.9658G>C, p.Gly3220Arg (NM_019105.8); c.9658G>C (NM_019105.6); short protein forms G3220R, G3222R.
Identifiers: ClinVar variation 1709044 (VCV001709044.4), dbSNP rs780442858, ClinGen allele CA363538279.